The following is an entry in ClinVar:

NM_002691.4(POLD1):c.464-2A>G

Gene: POLD1 (DNA polymerase delta 1, catalytic subunit; plus strand). Cytogenetic location: 19q13.33.
Variant type: single nucleotide variant.
Coding change: c.464-2A>G on transcript NM_002691.4 (MANE Select); the canonical splice acceptor site of the intron before coding-DNA position 464, A replaced by G.
Molecular consequence: splice acceptor variant.
Genome position (GRCh38, 1-based): chr19:50,401,997, A>G. VCF-style: chr19-50401997-A-G. GRCh37 (hg19) VCF-style: chr19-50905254-A-G.
Other names: c.464-2A>G (NM_001256849.1, NM_001308632.1).
Identifiers: ClinVar variation 1001836 (VCV001001836.9), dbSNP rs2038656889, ClinGen allele CA406972846.

ClinVar aggregate classification (germline): Uncertain significance (1 of 4 stars; one submission).

Conditions:
POLD1-related polyposis and colorectal cancer syndrome (CRCS10). Also called: Colorectal cancer 10; COLORECTAL CANCER, SUSCEPTIBILITY TO, ON CHROMOSOME 19q; Colorectal cancer, susceptibility to, 10. Identifiers: Orphanet 220460, MedGen C2675481, MONDO:0012953, OMIM 612591.

Submission:

Labcorp Genetics (formerly Invitae), Labcorp
Classification: Uncertain significance for POLD1-related polyposis and colorectal cancer syndrome. Last evaluated: 2020-09-19. Review status: criteria provided, single submitter. Criteria: Invitae Variant Classification Sherloc (09022015). Collection method: clinical testing. Allele origin: germline.
Comment: This sequence change affects an acceptor splice site in intron 4 of the POLD1 gene. It is expected to disrupt RNA splicing and likely results in an absent or disrupted protein product. Missense variants that disrupt the 3'-5' exonuclease (proof-reading) activity of the POLD1 protein are associated with an increased risk for colonic adenomatous polyps and colon cancer (PMID: 23263490, 23447401). However, loss-of-function variants that result in an absent or severely disrupted POLD1 protein, and missense variants outside the exonuclease domain, are unlikely to be associated with polyposis or colon cancer. Without further clinical and genetic evidence, this variant has been classified as a Variant of Uncertain Significance. Algorithms developed to predict the effect of sequence changes on RNA splicing suggest that this variant may disrupt the consensus splice site, but this prediction has not been confirmed by published transcriptional studies. This variant has not been reported in the literature in individuals with POLD1-related conditions. This variant is not present in population databases (ExAC no frequency).

Literature cited by the submitters: PubMed 23263490; PubMed 23447401.